The following is an entry in ClinVar:

NM_031471.6(FERMT3):c.1317G>A (p.Gln439=)

Gene: FERMT3 (FERM domain containing kindlin 3; plus strand). Cytogenetic location: 11q13.1.
Variant type: single nucleotide variant.
Coding change: c.1317G>A on transcript NM_031471.6 (MANE Select); coding-DNA position 1317, G replaced by A.
Protein change: p.Gln439=; no amino-acid change (glutamine 439 retained).
Molecular consequence: synonymous variant.
Genome position (GRCh38, 1-based): chr11:64,220,441, G>A. VCF-style: chr11-64220441-G-A. GRCh37 (hg19) VCF-style: chr11-63987913-G-A.
Other names: p.Gln439=; c.1317G>A, p.Gln439= (NM_001382361.1, NM_001382448.1); c.1329G>A, p.Gln443= (NM_001382362.1, NM_178443.3); c.777G>A, p.Gln259= (NM_001382363.1); c.789G>A, p.Gln263= (NM_001382364.1).
Identifiers: ClinVar variation 522223 (VCV000522223.17), dbSNP rs72920390, ClinGen allele CA6069131.

ClinVar aggregate classification (germline): Benign/Likely benign. Review status: criteria provided, multiple submitters, no conflicts (2 of 4 stars). 7 submissions from 7 submitters: Benign (3); Likely benign (4). Last evaluated 2026-02-01.

Conditions:
Leukocyte adhesion deficiency 3. Also called: Leukocyte adhesion deficiency, type III; INTEGRIN ACTIVATION DEFICIENCY DISEASE; LEUKOCYTE ADHESION DEFICIENCY 1 VARIANT. Identifiers: Orphanet 2968, Orphanet 99844, MedGen C2748536, MONDO:0013016, OMIM 612840.

Allele frequency attached by ClinVar (database versions not stated): 1000 Genomes Project 0.00040; 1000 Genomes Project 30x 0.00062; TOPMed 0.00148; ESP Exome Variant Server 0.00162; gnomAD 0.00174 and 0.00178; gnomAD exomes 0.00193 and 0.00254; ExAC 0.00223.
gnomAD v4.1: 3,920 of 1,611,142 alleles (0.24%); highest among the groups gnomAD compares: Non-Finnish European, 0.29%; 6 homozygotes.

Submissions (7):

Labcorp Genetics (formerly Invitae), Labcorp
Classification: Benign for Leukocyte adhesion deficiency 3. Last evaluated: 2026-02-01. Review status: criteria provided, single submitter. Criteria: Invitae Variant Classification Sherloc (09022015). Collection method: clinical testing. Allele origin: germline.

Women's Health and Genetics/Laboratory Corporation of America, LabCorp
Classification: Benign. Last evaluated: 2026-01-23. Review status: criteria provided, single submitter. Criteria: LabCorp Variant Classification Summary - May 2015. Collection method: clinical testing. Allele origin: germline.

Mayo Clinic Laboratories, Mayo Clinic
Classification: Benign. Last evaluated: 2025-01-07. Review status: criteria provided, single submitter. Criteria: ACMG Guidelines, 2015. Collection method: clinical testing. Allele origin: germline. Observed: 3 variant alleles.
Comment: BS1, BS2, BP4

Blueprint Genetics
Classification: Likely benign. Last evaluated: 2024-11-21. Review status: criteria provided, single submitter. Criteria: ACMG Guidelines, 2015. Collection method: clinical testing. Allele origin: germline.

Clinical Genetics DNA and cytogenetics Diagnostics Lab, Erasmus MC, Erasmus Medical Center
Classification: Likely benign for Leukocyte adhesion deficiency 3. Last evaluated: 2017-10-31. Review status: criteria provided, single submitter. Criteria: ACGS Guidelines, 2013. Collection method: clinical testing. Allele origin: germline. Affected: yes. Study: VKGL Data-share Consensus.

Genome Diagnostics Laboratory, University Medical Center Utrecht
Classification: Likely benign for Leukocyte adhesion deficiency 3. Last evaluated: 2017-09-06. Review status: criteria provided, single submitter. Criteria: ACGS Guidelines, 2013. Collection method: clinical testing. Allele origin: germline. Affected: yes. Study: VKGL Data-share Consensus.

Breakthrough Genomics
Classification: Likely benign. Review status: criteria provided, single submitter. Criteria: ACMG Guidelines, 2015. Collection method: not provided. Allele origin: germline. Inheritance: Autosomal recessive inheritance. Affected: yes.